The following is an entry in ClinVar:

ClinVar aggregate classification (germline): Pathogenic (1 of 4 stars; one submission).

Conditions:
Asphyxiating thoracic dystrophy 3. Also called: SHORT-RIB THORACIC DYSPLASIA 3 WITH OR WITHOUT POLYDACTYLY; POLYDACTYLY WITH NEONATAL CHONDRODYSTROPHY, TYPE I; SHORT-RIB THORACIC DYSPLASIA 3/6 WITH POLYDACTYLY, DIGENIC; Short rib polydactyly syndrome 2B; Saldino-Noonan Syndrome. Identifiers: Orphanet 474, Orphanet 93269, Orphanet 93270, Orphanet 93271, MedGen C0036069, MONDO:0013127, OMIM 613091.

Submission:

Myriad Genetics, Inc.
Classification: Pathogenic for Asphyxiating thoracic dystrophy 3. Last evaluated: 2025-07-01. Review status: criteria provided, single submitter. Criteria: Myriad Autosomal Dominant, Autosomal Recessive and X-Linked Classification Criteria (2023). Collection method: clinical testing. Allele origin: unknown.
Comment: NM_001377.2(DYNC2H1):c.11872C>T(Q3958*) is expected to be pathogenic in the context of DYNC2H1-related disorders. This variant is predicted to lead to an abnormal or absent protein product due to the creation of a premature termination codon in DYNC2H1, a gene where loss-of-function variants are known to be pathogenic. Please note: this variant was assessed in the context of healthy population screening.

NM_001377.3(DYNC2H1):c.11872C>T (p.Gln3958Ter)

Gene: DYNC2H1 (dynein cytoplasmic 2 heavy chain 1; plus strand). Cytogenetic location: 11q22.3.
Variant type: single nucleotide variant.
Coding change: c.11872C>T on transcript NM_001377.3 (MANE Select); coding-DNA position 11872, C replaced by T.
Protein change: p.Gln3958Ter; replaces glutamine 3958 with a stop codon.
Molecular consequence: nonsense.
Genome position (GRCh38, 1-based): chr11:103,321,175, C>T. VCF-style: chr11-103321175-C-T. GRCh37 (hg19) VCF-style: chr11-103191904-C-T.
Other names: c.11893C>T, p.Gln3965Ter (NM_001080463.2); short protein forms Q3958*, Q3965*.
Identifiers: ClinVar variation 5014673 (VCV005014673.1).